The following is an entry in ClinVar:

NM_001134707.2(SARDH):c.2226G>A (p.Ala742=)

Gene: SARDH (sarcosine dehydrogenase; minus strand). Cytogenetic location: 9q34.2.
Variant type: single nucleotide variant.
Coding change: c.2226G>A on transcript NM_001134707.2 (MANE Select); coding-DNA position 2226, G replaced by A.
Protein change: p.Ala742=; no amino-acid change (alanine 742 retained).
Molecular consequence: synonymous variant.
Genome position (GRCh38, 1-based): chr9:133,671,635, C>T on the plus strand (G>A on the coding strand, the complement: SARDH is on the minus strand). VCF-style: chr9-133671635-C-T. GRCh37 (hg19) VCF-style: chr9-136536757-C-T.
Other names: c.2226G>A, p.Ala742= (NM_007101.4).
Identifiers: ClinVar variation 729020 (VCV000729020.28), dbSNP rs143904989, ClinGen allele CA5313996.
Genomic context (GRCh38, chr9:133,671,635, plus strand): 5'-GTTGATGAGGCCGTGCTTGGCACCCGCGGCCATCACAGCCCGGTACACAGGCACGCAGGA[C>T]GCCTTTGGAATGTGCAGCTCCCAGCCCAGCTCCCCCACAAAGGACAGCCGCATGGCTCGG-3'
Protein context (NP_001128179.1, residues 732-752): ELGWELHIPK[Ala742=]SCVPVYRAVM

ClinVar aggregate classification (germline): Likely benign. Review status: criteria provided, multiple submitters, no conflicts (2 of 4 stars). 3 submissions from 3 submitters: Likely benign (3). Last evaluated 2022-05-01.

Allele frequency attached by ClinVar (database versions not stated): ESP Exome Variant Server 0.00039; ExAC 0.00041; gnomAD 0.00042; TOPMed 0.00046; 1000 Genomes Project 0.00060; 1000 Genomes Project 30x 0.00062; gnomAD exomes 0.00033.
gnomAD v4.1: 351 of 1,598,604 alleles (0.022%); highest among the groups gnomAD compares: Middle Eastern, 0.28%; no homozygotes.

Submissions (3):

CeGaT Center for Human Genetics Tuebingen
Classification: Likely benign. Last evaluated: 2022-05-01. Review status: criteria provided, single submitter. Criteria: CeGaT Center For Human Genetics Tuebingen Variant Classification Criteria Version 2. Collection method: clinical testing. Allele origin: germline. Affected: yes. Observed: 1 variant allele.
Comment: SARDH: BP4, BP7

Labcorp Genetics (formerly Invitae), Labcorp
Classification: Likely benign. Last evaluated: 2017-11-16. Review status: criteria provided, single submitter. Criteria: Invitae Variant Classification Sherloc (09022015). Collection method: clinical testing. Allele origin: germline.

Breakthrough Genomics
Classification: Likely benign. Review status: criteria provided, single submitter. Criteria: ACMG Guidelines, 2015. Collection method: not provided. Allele origin: germline. Inheritance: Autosomal recessive inheritance. Affected: yes.